The following is an entry in ClinVar:

NM_001358530.2(MOCS1):c.22C>G (p.Arg8Gly)

Gene: MOCS1 (molybdenum cofactor synthesis 1; minus strand). Cytogenetic location: 6p21.2.
Variant type: single nucleotide variant.
Coding change: c.22C>G on transcript NM_001358530.2 (MANE Select); coding-DNA position 22, C replaced by G.
Protein change: p.Arg8Gly; replaces arginine 8 with glycine.
Molecular consequence: missense variant. On other transcripts: 5 prime UTR variant (2), non-coding transcript variant (1).
Genome position (GRCh38, 1-based): chr6:39,934,396, G>C on the plus strand (C>G on the coding strand, the complement: MOCS1 is on the minus strand). VCF-style: chr6-39934396-G-C. GRCh37 (hg19) VCF-style: chr6-39902135-G-C.
Other names: c.22C>G, p.Arg8Gly (NM_001075098.4, NM_001358529.2); c.-113C>G (NM_001358531.2, NM_001358533.2); short protein forms R8G.
Identifiers: ClinVar variation 1980206 (VCV001980206.4), dbSNP rs1026747618, ClinGen allele CA137623390.
Genomic context (GRCh38, chr6:39,934,396, plus strand): 5'-TCACCGGAGCCCCTGAGCTGCAGCTCCGGGCGCTGGACCTCAGAAGCCGCCGCAGCATCC[G>C]GGACAGTGGCCGCGCCGCCATGAAGCCTGATACGAGCGGAACCGCAGCCCGCTTCGGGAG-3'
Protein context (NP_001345459.1, residues 1-18): MAARPLS[Arg8Gly]MLRRLLRSSA

ClinVar aggregate classification (germline): Uncertain significance (1 of 4 stars; one submission).

Conditions:
Sulfite oxidase deficiency due to molybdenum cofactor deficiency type A. Also called: Molybdenum cofactor deficiency, complementation group A; Molybdenum Cofactor Deficiency A. Identifiers: Orphanet 308386, Orphanet 833, MedGen C1854988, MONDO:0009643, OMIM 252150.

Submission:

Labcorp Genetics (formerly Invitae), Labcorp
Classification: Uncertain significance for Sulfite oxidase deficiency due to molybdenum cofactor deficiency type A. Last evaluated: 2022-07-21. Review status: criteria provided, single submitter. Criteria: Invitae Variant Classification Sherloc (09022015). Collection method: clinical testing. Allele origin: germline.
Comment: In summary, the available evidence is currently insufficient to determine the role of this variant in disease. Therefore, it has been classified as a Variant of Uncertain Significance. Experimental studies and prediction algorithms are not available or were not evaluated, and the functional significance of this variant is currently unknown. This variant has not been reported in the literature in individuals affected with MOCS1-related conditions. This variant is present in population databases (no rsID available, gnomAD 0.02%). This sequence change replaces arginine, which is basic and polar, with glycine, which is neutral and non-polar, at codon 8 of the MOCS1 protein (p.Arg8Gly).